The following is an entry in ClinVar:

ClinVar aggregate classification (germline): Uncertain significance (1 of 4 stars; one submission).

gnomAD v4.1: 2 of 1,613,418 alleles (0.00012%); highest among the groups gnomAD compares: Non-Finnish European, 0.00017%; no homozygotes.

Submission:

Ambry Genetics
Classification: Uncertain significance. Last evaluated: 2021-06-29. Review status: criteria provided, single submitter. Criteria: Ambry Variant Classification Scheme 2023. Collection method: clinical testing. Allele origin: germline.
Comment: The p.R1031G variant (also known as c.3091C>G), located in coding exon 27 of the PRKDC gene, results from a C to G substitution at nucleotide position 3091. The arginine at codon 1031 is replaced by glycine, an amino acid with dissimilar properties. This amino acid position is conserved. In addition, this alteration is predicted to be tolerated by in silico analysis. Since supporting evidence is limited at this time, the clinical significance of this alteration remains unclear.

NM_006904.7(PRKDC):c.3091C>G (p.Arg1031Gly)

Gene: PRKDC (protein kinase, DNA-activated, catalytic subunit; minus strand). Cytogenetic location: 8q11.21.
Variant type: single nucleotide variant.
Coding change: c.3091C>G on transcript NM_006904.7 (MANE Select); coding-DNA position 3091, C replaced by G.
Protein change: p.Arg1031Gly; replaces arginine 1031 with glycine.
Molecular consequence: missense variant.
Genome position (GRCh38, 1-based): chr8:47,902,747, G>C on the plus strand (C>G on the coding strand, the complement: PRKDC is on the minus strand). VCF-style: chr8-47902747-G-C. GRCh37 (hg19) VCF-style: chr8-48815307-G-C.
Other names: c.3091C>G, p.Arg1031Gly (NM_001081640.2); short protein forms R1031G.
Identifiers: ClinVar variation 1727468 (VCV001727468.2), dbSNP rs763393727, ClinGen allele CA371157059.